The following is an entry in ClinVar:

ClinVar aggregate classification (germline): Likely benign (0 of 4 stars; one submission).

Conditions:
CRYGA-related disorder. Also called: CRYGA-related condition.

Allele frequency attached by ClinVar (database versions not stated): gnomAD 0.00005; TOPMed 0.00031; ExAC 0.00043; 1000 Genomes Project 0.00060; 1000 Genomes Project 30x 0.00062.
gnomAD v4.1: 161 of 1,613,610 alleles (0.01%); highest among the groups gnomAD compares: Admixed American, 0.27%; 1 homozygote.

Submission:

PreventionGenetics, part of Exact Sciences
Classification: Likely benign for CRYGA-related condition. Last evaluated: 2022-05-27. Review status: no assertion criteria provided. Collection method: clinical testing. Allele origin: germline.
Comment: This variant is classified as likely benign based on ACMG/AMP sequence variant interpretation guidelines (Richards et al. 2015 PMID: 25741868, with internal and published modifications).

NM_014617.4(CRYGA):c.389G>A (p.Cys130Tyr)

Gene: CRYGA (crystallin gamma A; minus strand). Cytogenetic location: 2q33.3.
Variant type: single nucleotide variant.
Coding change: c.389G>A on transcript NM_014617.4 (MANE Select); coding-DNA position 389, G replaced by A.
Protein change: p.Cys130Tyr; replaces cysteine 130 with tyrosine.
Molecular consequence: missense variant.
Genome position (GRCh38, 1-based): chr2:208,160,940, C>T on the plus strand (G>A on the coding strand, the complement: CRYGA is on the minus strand). VCF-style: chr2-208160940-C-T. GRCh37 (hg19) VCF-style: chr2-209025664-C-T.
Other names: short protein forms C130Y.
Identifiers: ClinVar variation 3052037 (VCV003052037.2), dbSNP rs182000087, ClinGen allele CA2078273.
Genomic context (GRCh38, chr2:208,160,940, plus strand): 5'-TCCCCAGGCCTCAGCAGATACTGCCGCCCCCGGTAGTTGGGCATTTCATAGAGGACCCAG[C>T]AGCCCTCCAGTACGTGGAGGGAATAGATCTCAGGGAGACGGAACAGTTCTGGAACACAGG-3'
Protein context (NP_055432.2, residues 120-140): EIYSLHVLEG[Cys130Tyr]WVLYEMPNYR